The following is an entry in ClinVar:

NM_144997.7(FLCN):c.1011C>T (p.Ser337=)

Gene: FLCN (folliculin; minus strand). Cytogenetic location: 17p11.2.
Variant type: single nucleotide variant.
Coding change: c.1011C>T on transcript NM_144997.7 (MANE Select); coding-DNA position 1011, C replaced by T.
Protein change: p.Ser337=; no amino-acid change (serine 337 retained).
Molecular consequence: synonymous variant.
Genome position (GRCh38, 1-based): chr17:17,219,070, G>A on the plus strand (C>T on the coding strand, the complement: FLCN is on the minus strand). VCF-style: chr17-17219070-G-A. GRCh37 (hg19) VCF-style: chr17-17122384-G-A.
Other names: c.1065C>T, p.Ser355= (NM_001353229.2); c.1011C>T, p.Ser337= (NM_001353230.2, NM_001353231.2); c.1011C>T (NM_144997.5).
Identifiers: ClinVar variation 1562645 (VCV001562645.12), dbSNP rs1567812706, ClinGen allele CA498163528.
Genomic context (GRCh38, chr17:17,219,070, plus strand): 5'-GCCGCCTACCTGCCTCATGTGCCGGAGGGACTTGAAGACTGGCAGCTTCCGGGGCTGCCA[G>A]CTCCCACAGCCTGAGAGAGAGGAGGACTCTGCCGGGCCCTGGGTCAGCTCCCGCCCTTCT-3'
Protein context (NP_659434.2, residues 327-347): AESSSLSGCG[Ser337=]WQPRKLPVFK

ClinVar aggregate classification (germline): Benign/Likely benign. Review status: criteria provided, multiple submitters, no conflicts (2 of 4 stars). 4 submissions from 4 submitters: Benign (1); Likely benign (3). Last evaluated 2025-04-19.

Conditions:
Hereditary cancer-predisposing syndrome. Also called: Neoplastic Syndromes, Hereditary; Hereditary Cancer Syndrome; Hereditary neoplastic syndrome; Tumor predisposition. Identifiers: Orphanet 140162, MedGen C0027672, MeSH D009386, MONDO:0015356.
Birt-Hogg-Dube syndrome 1 (BHD1). Also called: FIBROFOLLICULOMAS WITH TRICHODISCOMAS AND ACROCHORDONS. Identifiers: Orphanet 122, MedGen CN375946, MONDO:0800445, OMIM 135150.
Birt-Hogg-Dube syndrome. Also called: Birt Hogg Dubé syndrome. Identifiers: Orphanet 122, MedGen C0346010, MONDO:0800444.

Allele frequency attached by ClinVar (database versions not stated): gnomAD exomes below 0.00001.

Submissions (4):

Ambry Genetics
Classification: Likely benign for Hereditary cancer-predisposing syndrome. Last evaluated: 2025-04-19. Review status: criteria provided, single submitter. Criteria: Ambry Variant Classification Scheme 2023. Collection method: clinical testing. Allele origin: germline.

Center for Genomic Medicine, Rigshospitalet, Copenhagen University Hospital
Classification: Likely benign. Last evaluated: 2025-03-04. Review status: criteria provided, single submitter. Criteria: ACMG Guidelines, 2015. Collection method: clinical testing. Allele origin: germline.

Labcorp Genetics (formerly Invitae), Labcorp
Classification: Likely benign for Birt-Hogg-Dube syndrome. Last evaluated: 2025-02-23. Review status: criteria provided, single submitter. Criteria: Invitae Variant Classification Sherloc (09022015). Collection method: clinical testing. Allele origin: germline.

Myriad Genetics, Inc.
Classification: Benign for Birt-Hogg-Dube syndrome 1. Last evaluated: 2024-10-23. Review status: criteria provided, single submitter. Criteria: Myriad Autosomal Dominant, Autosomal Recessive and X-Linked Classification Criteria (2023). Collection method: clinical testing. Allele origin: unknown.
Comment: This variant is considered benign. This variant is a silent/synonymous amino acid change and it is not expected to impact splicing.